The following is an entry in ClinVar:

ClinVar aggregate classification (germline): Conflicting classifications of pathogenicity. Review status: criteria provided, conflicting classifications (1 of 4 stars). 2 submissions from 2 submitters: Uncertain significance (1); Benign (1). Last evaluated 2025-07-06.

Conditions:
Retinal dystrophy. Also called: Inherited retinal dystrophy. Identifiers: Orphanet 71862, MedGen C0854723, MeSH D058499, MONDO:0019118, HP:0000556.

Allele frequency attached by ClinVar (database versions not stated): gnomAD 0.00003; TOPMed 0.00005; ExAC 0.00009; gnomAD exomes 0.00009.

Submissions (2):

Labcorp Genetics (formerly Invitae), Labcorp
Classification: Uncertain significance. Last evaluated: 2025-07-06. Review status: criteria provided, single submitter. Criteria: Invitae Variant Classification Sherloc (09022015). Collection method: clinical testing. Allele origin: germline.
Comment: This sequence change replaces arginine, which is basic and polar, with histidine, which is basic and polar, at codon 76 of the FSCN2 protein (p.Arg76His). This variant is present in population databases (rs376532437, gnomAD 0.07%), and has an allele count higher than expected for a pathogenic variant. This missense change has been observed in individual(s) with retinitis pigmentosa (PMID: 28512305). ClinVar contains an entry for this variant (Variation ID: 836926). An algorithm developed to predict the effect of missense changes on protein structure and function (PolyPhen-2) suggests that this variant is likely to be disruptive. In summary, the available evidence is currently insufficient to determine the role of this variant in disease. Therefore, it has been classified as a Variant of Uncertain Significance.

Dept Of Ophthalmology, Nagoya University
Classification: Benign for Retinal dystrophy. Last evaluated: 2023-10-01. Review status: criteria provided, single submitter. Criteria: Submitter's publication. Collection method: research. Allele origin: germline. Affected: yes.

Literature cited by the submitters: PubMed 28512305 (cited by Labcorp Genetics (formerly Invitae), Labcorp).

NM_012418.4(FSCN2):c.227G>A (p.Arg76His)

Gene: FSCN2 (fascin actin-bundling protein 2, retinal; plus strand). Cytogenetic location: 17q25.3.
Variant type: single nucleotide variant.
Coding change: c.227G>A on transcript NM_012418.4 (MANE Select); coding-DNA position 227, G replaced by A.
Protein change: p.Arg76His; replaces arginine 76 with histidine.
Molecular consequence: missense variant.
Genome position (GRCh38, 1-based): chr17:81,528,758, G>A. VCF-style: chr17-81528758-G-A. GRCh37 (hg19) VCF-style: chr17-79495784-G-A.
Other names: c.227G>A, p.Arg76His (NM_001077182.3); short protein forms R76H.
Identifiers: ClinVar variation 836926 (VCV000836926.7), dbSNP rs376532437, ClinGen allele CA8836617.
Genomic context (GRCh38, chr17:81,528,758, plus strand): 5'-CGGCTGTGCTGCTCCGCAGCAGCCACCTGGGCCGCTACCTGTCGGCAGAAGAGGACGGGC[G>A]CGTGGCCTGTGAGGCAGAGCAGCCGGGCCGTGACTGCCGCTTCCTGGTCCTGCCGCAGCC-3'
Protein context (NP_036550.1, residues 66-86): GRYLSAEEDG[Arg76His]VACEAEQPGR